The following is an entry in ClinVar:

ClinVar aggregate classification (germline): Uncertain significance (1 of 4 stars; one submission).

Allele frequency attached by ClinVar (database versions not stated): gnomAD exomes below 0.00001.
gnomAD v4.1: 2 of 1,601,440 alleles (0.00012%); highest among the groups gnomAD compares: Non-Finnish European, 0.00017%; no homozygotes.

Submission:

Labcorp Genetics (formerly Invitae), Labcorp
Classification: Uncertain significance. Last evaluated: 2025-01-27. Review status: criteria provided, single submitter. Criteria: Invitae Variant Classification Sherloc (09022015). Collection method: clinical testing. Allele origin: germline.
Comment: This sequence change falls in intron 46 of the COL4A2 gene. It does not directly change the encoded amino acid sequence of the COL4A2 protein. It affects a nucleotide within the consensus splice site. This variant is not present in population databases (gnomAD no frequency). This variant has not been reported in the literature in individuals affected with COL4A2-related conditions. ClinVar contains an entry for this variant (Variation ID: 2089092). Variants that disrupt the consensus splice site are a relatively common cause of aberrant splicing (PMID: 17576681, 9536098). Algorithms developed to predict the effect of sequence changes on RNA splicing suggest that this variant may disrupt the consensus splice site. In summary, the available evidence is currently insufficient to determine the role of this variant in disease. Therefore, it has been classified as a Variant of Uncertain Significance.

Literature cited by the submitters: PubMed 17576681; PubMed 9536098.

NM_001846.4(COL4A2):c.4594+6T>C

Genes: COL4A2 (collagen type IV alpha 2 chain; plus strand), COL4A2-AS1 (COL4A2 antisense RNA 1; minus strand). Cytogenetic location: 13q34.
Variant type: single nucleotide variant.
Coding change: c.4594+6T>C on transcript NM_001846.4 (MANE Select); 6 bases into the intron after coding-DNA position 4594, T replaced by C.
Molecular consequence: intron variant.
Genome position (GRCh38, 1-based): chr13:110,506,612, T>C. VCF-style: chr13-110506612-T-C. GRCh37 (hg19) VCF-style: chr13-111158959-T-C.
Identifiers: ClinVar variation 2089092 (VCV002089092.4), dbSNP rs2502214112, ClinGen allele CA2580087164.